The following is an entry in ClinVar:

NM_145199.3(LIPT1):c.654G>C (p.Lys218Asn)

Genes: LIPT1 (lipoyltransferase 1; plus strand), MITD1 (microtubule interacting and trafficking domain containing 1; minus strand). Cytogenetic location: 2q11.2.
Variant type: single nucleotide variant.
Coding change: c.654G>C on transcript NM_145199.3 (MANE Select); coding-DNA position 654, G replaced by C.
Protein change: p.Lys218Asn; replaces lysine 218 with asparagine.
Molecular consequence: missense variant. On other transcripts: non-coding transcript variant (2).
Genome position (GRCh38, 1-based): chr2:99,162,611, G>C. VCF-style: chr2-99162611-G-C. GRCh37 (hg19) VCF-style: chr2-99779074-G-C.
Other names: c.654G>C, p.Lys218Asn (NM_001204830.2, NM_015929.4, NM_145197.3 and 1 more transcripts); short protein forms K218N.
Identifiers: ClinVar variation 1983705 (VCV001983705.4), dbSNP rs773121905, ClinGen allele CA1797358.

ClinVar aggregate classification (germline): Uncertain significance (1 of 4 stars; one submission).

Allele frequency attached by ClinVar (database versions not stated): TOPMed below 0.00001; ExAC 0.00001.
gnomAD v4.1: 59 of 1,614,104 alleles (0.0037%); highest among the groups gnomAD compares: Non-Finnish European, 0.0047%; no homozygotes.

Submission:

Labcorp Genetics (formerly Invitae), Labcorp
Classification: Uncertain significance. Last evaluated: 2022-04-12. Review status: criteria provided, single submitter. Criteria: Invitae Variant Classification Sherloc (09022015). Collection method: clinical testing. Allele origin: germline.
Comment: In summary, the available evidence is currently insufficient to determine the role of this variant in disease. Therefore, it has been classified as a Variant of Uncertain Significance. Algorithms developed to predict the effect of missense changes on protein structure and function output the following: SIFT: "Tolerated"; PolyPhen-2: "Benign"; Align-GVGD: "Class C0". The asparagine amino acid residue is found in multiple mammalian species, which suggests that this missense change does not adversely affect protein function. This variant has not been reported in the literature in individuals affected with LIPT1-related conditions. This variant is present in population databases (rs773121905, gnomAD 0.0009%). This sequence change replaces lysine, which is basic and polar, with asparagine, which is neutral and polar, at codon 218 of the LIPT1 protein (p.Lys218Asn).